The following is an entry in ClinVar:

ClinVar aggregate classification (germline): Uncertain significance. Review status: criteria provided, multiple submitters, no conflicts (2 of 4 stars). 2 submissions from 2 submitters: Uncertain significance (2). Last evaluated 2026-05-30.

Conditions:
Hereditary cancer-predisposing syndrome. Also called: Neoplastic Syndromes, Hereditary; Tumor predisposition; Hereditary Cancer Syndrome; Hereditary neoplastic syndrome. Identifiers: Orphanet 140162, MedGen C0027672, MeSH D009386, MONDO:0015356.
Nijmegen breakage syndrome-like disorder (NBSLD). Also called: MICROCEPHALY AND SPONTANEOUS CHROMOSOME INSTABILITY WITHOUT IMMUNODEFICIENCY; NBS-LIKE DISORDER; RAD50 DEFICIENCY. Identifiers: Orphanet 240760, MedGen C2751318, MONDO:0013118, OMIM 613078.

Allele frequency attached by ClinVar (database versions not stated): gnomAD 0.00001.
gnomAD v4.1: 1 of 1,613,702 alleles (0.000062%); highest among the groups gnomAD compares: African/African-American, 0.0013%; no homozygotes.

Submissions (2):

Ambry Genetics
Classification: Uncertain significance for Hereditary cancer-predisposing syndrome. Last evaluated: 2026-05-30. Review status: criteria provided, single submitter. Criteria: Ambry Variant Classification Scheme 2023. Collection method: clinical testing. Allele origin: germline.
Comment: The p.K720N variant (also known as c.2160A>T), located in coding exon 13 of the RAD50 gene, results from an A to T substitution at nucleotide position 2160. The lysine at codon 720 is replaced by asparagine, an amino acid with similar properties. This amino acid position is conserved. In addition, this alteration is predicted to be tolerated by in silico analysis. Based on the available evidence, the clinical significance of this variant remains unclear.

Baylor Genetics
Classification: Uncertain significance for Nijmegen breakage syndrome-like disorder. Last evaluated: 2023-12-30. Review status: criteria provided, single submitter. Criteria: ACMG Guidelines, 2015. Collection method: clinical testing. Allele origin: unknown.

NM_005732.4(RAD50):c.2160A>T (p.Lys720Asn)

Gene: RAD50 (RAD50 double strand break repair protein; plus strand). Cytogenetic location: 5q31.1.
Variant type: single nucleotide variant.
Coding change: c.2160A>T on transcript NM_005732.4 (MANE Select); coding-DNA position 2160, A replaced by T.
Protein change: p.Lys720Asn; replaces lysine 720 with asparagine.
Molecular consequence: missense variant.
Genome position (GRCh38, 1-based): chr5:132,595,763, A>T. VCF-style: chr5-132595763-A-T. GRCh37 (hg19) VCF-style: chr5-131931455-A-T.
Other names: c.2160A>T (NM_005732.3); short protein forms K720N.
Identifiers: ClinVar variation 3240249 (VCV003240249.2), dbSNP rs1750780942.